The following is an entry in ClinVar:

ClinVar aggregate classification (germline): Likely pathogenic (1 of 4 stars; one submission).

Conditions:
Familial juvenile hyperuricemic nephropathy type 1 (ADTKD1). Also called: Autosomal Dominant Tubulointerstitial Kidney Disease – UMOD; Glomerulocystic kidney disease with hyperuricemia and isosthenuria; Medullary cystic kidney disease 2; UMOD-Associated Kidney Disease; Uromodulin-associated kidney disease. Identifiers: Orphanet 209886, Orphanet 34149, Orphanet 88950, MedGen C4551496, MONDO:0008073, OMIM 162000.

Submission:

Victorian Clinical Genetics Services, Murdoch Childrens Research Institute
Classification: Likely pathogenic for Familial juvenile hyperuricemic nephropathy type 1. Last evaluated: 2023-07-17. Review status: criteria provided, single submitter. Criteria: ACMG Guidelines, 2015. Collection method: clinical testing. Allele origin: germline. Inheritance: Autosomal dominant inheritance. Affected: yes.
Comment: Based on the classification scheme VCGS_Germline_v1.3.4, this variant is classified as Likely pathogenic. Following criteria are met: 0104 - Dominant negative is a known mechanism of disease in this gene and is associated with tubulointerstitial kidney disease (MIM#162000). Missense variants have been shown to impair wildtype protein localisation (PMID: 28990932, PMID: 22117067). (I) 0107 - This gene is associated with autosomal dominant disease. (I) 0115 - Variants in this gene are known to have variable expressivity (PMID: 21868615). (I) 0200 - Variant is predicted to result in a missense amino acid change from cysteine to tryptophan. (I) 0251 - This variant is heterozygous. (I) 0301 - Variant is absent from gnomAD (both v2 and v3). (SP) 0501 - Missense variant consistently predicted to be damaging by multiple in silico tools or highly conserved with a major amino acid change. (SP) 0602 - Variant is located in a hotspot region or cluster of pathogenic variants. The majority of reported missense variants cluster in exons 3 and 4 (PMID: 30099615). (SP) 0704 - Another missense variant comparable to the one identified in this case has limited previous evidence for pathogenicity. The variant p.(Cys297Tyr) has been reported as pathogenic in ClinVar. (SP) 0803 - This variant has limited previous evidence of pathogenicity in an unrelated individual. This variant has been reported in four individuals from one family with kidney disease (PMID: 20151160). (SP) 0903 - This variant has limited evidence for segregation with disease. This variant was shown to segregate with disease in four individuals from one family with kidney disease (PMID: 20151160). (SP) 1007 - No published functional evidence has been identified for this variant. (I) 1208 - Inheritance information for this variant is not currently available in this individual. (I) Legend: (SP) - Supporting pathogenic, (I) - Information, (SB) - Supporting benign

Literature cited by the submitters: PubMed 20151160; PubMed 21868615; PubMed 22117067; PubMed 28990932; PubMed 30099615.

NM_003361.4(UMOD):c.891T>G (p.Cys297Trp)

Gene: UMOD (uromodulin; minus strand). Cytogenetic location: 16p12.3.
Variant type: single nucleotide variant.
Coding change: c.891T>G on transcript NM_003361.4 (MANE Select); coding-DNA position 891, T replaced by G.
Protein change: p.Cys297Trp; replaces cysteine 297 with tryptophan.
Molecular consequence: missense variant. On other transcripts: non-coding transcript variant (1).
Genome position (GRCh38, 1-based): chr16:20,348,305, A>C on the plus strand (T>G on the coding strand, the complement: UMOD is on the minus strand). VCF-style: chr16-20348305-A-C. GRCh37 (hg19) VCF-style: chr16-20359627-A-C.
Other names: c.891T>G, p.Cys297Trp (NM_001008389.3, NM_001378232.1, NM_001378233.1 and 3 more transcripts); c.990T>G, p.Cys330Trp (NM_001278614.2); short protein forms C297W, C330W.
Identifiers: ClinVar variation 3255107 (VCV003255107.1), dbSNP rs2507384602.
Genomic context (GRCh38, chr16:20,348,305, plus strand): 5'-GCACTGGCAGTGCCATCTGCCATTATTCGATTTGCAGTCCTCGTCTATACTGCACTCCTC[A>C]CACGTCCCCTCCACGGAGCTGGGGTCTGCAGGGTCACAGGGACAGACAGACAATCAATAA-3'
Protein context (NP_003352.2, residues 287-307): CTDPSSVEGT[Cys297Trp]EECSIDEDCK